The following is an entry in ClinVar:

NM_024426.6(WT1):c.445C>T (p.Pro149Ser)

Genes: WT1 (WT1 transcription factor; minus strand), LOC107982234 (WT1/WT1-AS bi-directional promoter region; plus strand). Cytogenetic location: 11p13.
Variant type: single nucleotide variant.
Coding change: c.445C>T on transcript NM_024426.6 (MANE Select); coding-DNA position 445, C replaced by T.
Protein change: p.Pro149Ser; replaces proline 149 with serine.
Molecular consequence: missense variant. On other transcripts: non-coding transcript variant (1).
Genome position (GRCh38, 1-based): chr11:32,434,916, G>A on the plus strand (C>T on the coding strand, the complement: WT1 is on the minus strand). VCF-style: chr11-32434916-G-A. GRCh37 (hg19) VCF-style: chr11-32456462-G-A.
Other names: c.445C>T, p.Pro149Ser (NM_000378.6, NM_024424.5); short protein forms P149S.
Identifiers: ClinVar variation 476704 (VCV000476704.9), dbSNP rs1554946517, ClinGen allele CA379965074.

ClinVar aggregate classification (germline): Uncertain significance (1 of 4 stars; one submission).

Conditions:
Wilms tumor 1 (WT1). Also called: Wilms tumor, somatic. Identifiers: Orphanet 654, MedGen CN033288, MONDO:0008679, OMIM 194070.
Drash syndrome (DDS). Also called: NEPHROPATHY, WILMS TUMOR, AND GENITAL ANOMALIES; WILMS TUMOR AND PSEUDO- OR TRUE HERMAPHRODITISM. Identifiers: Orphanet 220, MedGen C0950121, MONDO:0008682, OMIM 194080.
11p partial monosomy syndrome (WAGR). Also called: WAGR Spectrum Disorder; CHROMOSOME 11p13 DELETION SYNDROME; WAGR syndrome; WAGR Complex. Identifiers: Orphanet 893, MedGen C0206115, MONDO:0008681, OMIM 194072.
Frasier syndrome. Identifiers: Orphanet 347, MedGen C0950122, MeSH D052159, MONDO:0007635, OMIM 136680.

Submission:

Labcorp Genetics (formerly Invitae), Labcorp
Classification: Uncertain significance for Wilms tumor 1; Drash syndrome; 11p partial monosomy syndrome; Frasier syndrome. Last evaluated: 2017-05-07. Review status: criteria provided, single submitter. Criteria: Invitae Variant Classification Sherloc (09022015). Collection method: clinical testing. Allele origin: germline.
Comment: This sequence change replaces proline with serine at codon 144 of the WT1 protein (p.Pro144Ser). The proline residue is highly conserved and there is a moderate physicochemical difference between proline and serine. In summary, this variant is a novel missense change with uncertain impact on protein function. It has been classified as a Variant of Uncertain Significance. Algorithms developed to predict the effect of missense changes on protein structure and function (SIFT, PolyPhen-2, Align-GVGD) all suggest that this variant is likely to be disruptive, but these predictions have not been confirmed by published functional studies. This variant is not present in population databases (ExAC no frequency) and has not been reported in the literature in individuals with a WT1-related disease.